The following is an entry in ClinVar:

ClinVar aggregate classification (germline): Uncertain significance (1 of 4 stars; one submission).

Submission:

Labcorp Genetics (formerly Invitae), Labcorp
Classification: Uncertain significance. Last evaluated: 2022-12-25. Review status: criteria provided, single submitter. Criteria: Invitae Variant Classification Sherloc (09022015). Collection method: clinical testing. Allele origin: germline.
Comment: Experimental studies and prediction algorithms are not available or were not evaluated, and the functional significance of this variant is currently unknown. In summary, the available evidence is currently insufficient to determine the role of this variant in disease. Therefore, it has been classified as a Variant of Uncertain Significance. This variant has not been reported in the literature in individuals affected with TAF1-related conditions. This variant, c.5421_5423del, results in the deletion of 1 amino acid(s) of the TAF1 protein (p.Gly1808del), but otherwise preserves the integrity of the reading frame. This variant is not present in population databases (gnomAD no frequency).

NM_004606.5(TAF1):c.5361_5363del (p.Gly1788del)

Gene: TAF1 (TATA-box binding protein associated factor 1; plus strand). Cytogenetic location: Xq13.1.
Variant type: Deletion.
Coding change: c.5361_5363del on transcript NM_004606.5 (MANE Select); coding-DNA positions 5361 to 5363, 3 bases deleted (TGG; older notation c.5361_5363delTGG).
Protein change: p.Gly1788del; deletes glycine 1788.
Molecular consequence: inframe deletion. On other transcripts: non-coding transcript variant (9).
Genome position (GRCh38, 1-based): chrX:71,460,765-71,460,767, TGG deleted; deleting any 3 consecutive bases within chrX:71,460,763-71,460,767 gives the same sequence; the c. name uses the placement nearest the transcript's 3' end. VCF-style (leftmost placement, unchanged base first): chrX-71460762-CGGT-C. GRCh37 (hg19) VCF-style: chrX-70680612-CGGT-C.
Other names: c.5367_5369del, p.Gly1790del (NM_001286074.2); c.5298_5300del, p.Gly1767del (NM_138923.4); short protein forms G1767del, G1788del, G1790del.
Identifiers: ClinVar variation 2148177 (VCV002148177.4), dbSNP rs1201831723, ClinGen allele CA877850721.